The following is an entry in ClinVar:

ClinVar aggregate classification (germline): Uncertain significance (1 of 4 stars; one submission).

Submission:

GeneDx
Classification: Uncertain significance. Last evaluated: 2025-01-27. Review status: criteria provided, single submitter. Criteria: GeneDx Variant Classification Process June 2021. Collection method: clinical testing. Allele origin: germline. Affected: yes.
Comment: Not observed at significant frequency in large population cohorts (gnomAD); In silico analysis indicates that this missense variant does not alter protein structure/function; Has not been previously published as pathogenic or benign to our knowledge.

NM_001145358.2(SIN3A):c.880C>T (p.Pro294Ser)

Gene: SIN3A (SIN3 transcription regulator family member A; minus strand). Cytogenetic location: 15q24.2.
Variant type: single nucleotide variant.
Coding change: c.880C>T on transcript NM_001145358.2 (MANE Select); coding-DNA position 880, C replaced by T.
Protein change: p.Pro294Ser; replaces proline 294 with serine.
Molecular consequence: missense variant.
Genome position (GRCh38, 1-based): chr15:75,411,620, G>A on the plus strand (C>T on the coding strand, the complement: SIN3A is on the minus strand). VCF-style: chr15-75411620-G-A. GRCh37 (hg19) VCF-style: chr15-75703961-G-A.
Other names: c.880C>T, p.Pro294Ser (NM_001145357.2, NM_015477.3); short protein forms P294S.
Identifiers: ClinVar variation 4071872 (VCV004071872.1).